The following is an entry in ClinVar:

NM_025130.4(HKDC1):c.1265+2T>C

Gene: HKDC1 (hexokinase domain containing 1; plus strand). Cytogenetic location: 10q22.1.
Variant type: single nucleotide variant.
Coding change: c.1265+2T>C on transcript NM_025130.4 (MANE Select); the canonical splice donor site of the intron after coding-DNA position 1265, T replaced by C.
Molecular consequence: splice donor variant.
Genome position (GRCh38, 1-based): chr10:69,247,595, T>C. VCF-style: chr10-69247595-T-C. GRCh37 (hg19) VCF-style: chr10-71007351-T-C.
Identifiers: ClinVar variation 4850380 (VCV004850380.1).

ClinVar aggregate classification (germline): Likely pathogenic (1 of 4 stars; one submission).

Conditions:
Retinitis pigmentosa 92. Identifiers: MedGen C5562022, MONDO:0030619, OMIM 619614.

gnomAD v4.1: 12 of 1,611,904 alleles (0.00074%); highest among the groups gnomAD compares: African/African-American, 0.015%; no homozygotes.

Submission:

First Genomix Gene Laboratory, Genetic Diagnostics Department
Classification: Likely pathogenic for Retinitis pigmentosa 92. Last evaluated: 2025-09-17. Review status: criteria provided, single submitter. Criteria: ACMG Guidelines, 2015. Collection method: clinical testing. Allele origin: germline. Inheritance: Autosomal recessive inheritance. Affected: no. Observed: 1 variant allele.